The following is an entry in ClinVar:

NM_004415.4(DSP):c.1702-15C>A

Gene: DSP (desmoplakin; plus strand). Cytogenetic location: 6p24.3.
Variant type: single nucleotide variant.
Coding change: c.1702-15C>A on transcript NM_004415.4 (MANE Select); 15 bases into the intron before coding-DNA position 1702, C replaced by A.
Molecular consequence: intron variant.
Genome position (GRCh38, 1-based): chr6:7,571,368, C>A. VCF-style: chr6-7571368-C-A. GRCh37 (hg19) VCF-style: chr6-7571601-C-A.
Other names: c.1702-15C>A (NM_001319034.2, NM_001008844.3).
Identifiers: ClinVar variation 3070647 (VCV003070647.1), dbSNP rs2533893273, ClinGen allele CA2677225533.

ClinVar aggregate classification (germline): Uncertain significance (1 of 4 stars; one submission).

Conditions:
Arrhythmogenic cardiomyopathy with wooly hair and keratoderma. Also called: PALMOPLANTAR KERATODERMA WITH LEFT VENTRICULAR CARDIOMYOPATHY AND WOOLLY HAIR; Carvajal syndrome; Dilated cardiomyopathy with woolly hair and keratoderma; Arrhythmogenic cardiomyopathy with woolly hair and keratoderma. Identifiers: Orphanet 65282, MedGen C1854063, MONDO:0011581, OMIM 605676.

Allele frequency attached by ClinVar (database versions not stated): gnomAD exomes below 0.00001.
gnomAD v4.1: 2 of 1,614,064 alleles (0.00012%); highest among the groups gnomAD compares: Non-Finnish European, 0.00017%; no homozygotes.

Submission:

All of Us Research Program, National Institutes of Health
Classification: Uncertain significance for Arrhythmogenic cardiomyopathy with wooly hair and keratoderma. Last evaluated: 2023-05-04. Review status: criteria provided, single submitter. Criteria: ACMG Guidelines, 2015. Collection method: clinical testing. Allele origin: germline. Inheritance: Autosomal dominant inheritance. Observed: 1 variant allele, 1 heterozygote.
Comment: This variant causes a C to A nucleotide substitution at the -15 position of intron 13 of the DSP gene. To our knowledge, functional studies have not been reported for this variant. This variant has not been reported in individuals affected with DSP-related disorders in the literature. This variant has not been identified in the general population by the Genome Aggregation Database (gnomAD). The available evidence is insufficient to determine the role of this variant in disease conclusively. Therefore, this variant is classified as a Variant of Uncertain Significance.

This study involves interpretation of variants in research participants for the purpose of population health screening. Participant phenotype was not available at the time of variant classification. Additional details can be found in publication PMID: 35346344, PMCID: PMC8962531